The following is an entry in ClinVar:

NM_023067.4(FOXL2):c.674_703dup (p.Ala225_Ala234dup)

Gene: FOXL2 (forkhead box L2; minus strand). Cytogenetic location: 3q22.3.
Variant type: Duplication.
Coding change: c.674_703dup on transcript NM_023067.4 (MANE Select); coding-DNA positions 674 to 703, 30 bases duplicated (CGGCTGCAGCAGCTGCGGCTGCAGCCGCGG).
Protein change: p.Ala225_Ala234dup.
Molecular consequence: inframe insertion.
Genome position (GRCh38, 1-based): chr3:138,946,020-138,946,049, CCGCGGCTGCAGCCGCAGCTGCTGCAGCCG duplicated on the plus strand (CGGCTGCAGCAGCTGCGGCTGCAGCCGCGG on the coding strand, the reverse complement: FOXL2 is on the minus strand); duplicating any 30 consecutive bases within chr3:138,946,020-138,946,050 gives the same sequence; the c. name uses the placement nearest the transcript's 3' end. VCF-style (leftmost placement, unchanged base first): chr3-138946019-C-CCCGCGGCTGCAGCCGCAGCTGCTGCAGCCG. GRCh37 (hg19) VCF-style: chr3-138664861-C-CCCGCGGCTGCAGCCGCAGCTGCTGCAGCCG.
Identifiers: ClinVar variation 369925 (VCV000369925.2), dbSNP rs1057516173, ClinGen allele CA10654869.

ClinVar aggregate classification (germline): Pathogenic. Review status: criteria provided, multiple submitters, no conflicts (2 of 4 stars). 2 submissions from 2 submitters: Pathogenic (2). Last evaluated 2021-05-21.

Conditions:
FOXL2-related disorders.
Blepharophimosis, ptosis, and epicanthus inversus syndrome. Identifiers: Orphanet 126, MedGen C0220663, MONDO:0007201, OMIM 110100.

Submissions (2):

Blueprint Genetics
Classification: Pathogenic for FOXL2-related disorders. Last evaluated: 2021-05-21. Review status: criteria provided, single submitter. Criteria: ACMG Guidelines, 2015. Collection method: clinical testing. Allele origin: germline. Affected: yes. Observed: 1 variant allele.

Genomic Diagnostic Laboratory, Division of Genomic Diagnostics, Children's Hospital of Philadelphia
Classification: Pathogenic for Blepharophimosis, ptosis, and epicanthus inversus syndrome. Last evaluated: 2016-11-03. Review status: criteria provided, single submitter. Criteria: DGD Variant Analysis Guidelines. Collection method: clinical testing. Allele origin: germline. Affected: yes. Observed: 2 variant alleles.
Comment: Clinical Testing